The following is an entry in ClinVar:

NM_007347.5(AP4E1):c.2810A>G (p.Asp937Gly)

Gene: AP4E1 (adaptor related protein complex 4 subunit epsilon 1; plus strand). Cytogenetic location: 15q21.2.
Variant type: single nucleotide variant.
Coding change: c.2810A>G on transcript NM_007347.5 (MANE Select); coding-DNA position 2810, A replaced by G.
Protein change: p.Asp937Gly; replaces aspartic acid 937 with glycine.
Molecular consequence: missense variant.
Genome position (GRCh38, 1-based): chr15:50,997,789, A>G. VCF-style: chr15-50997789-A-G. GRCh37 (hg19) VCF-style: chr15-51289986-A-G.
Other names: c.2585A>G, p.Asp862Gly (NM_001252127.2); short protein forms D862G, D937G.
Identifiers: ClinVar variation 2177724 (VCV002177724.1), dbSNP rs1472864299, ClinGen allele CA392420788.

ClinVar aggregate classification (germline): Uncertain significance (1 of 4 stars; one submission).

Conditions:
Spastic paraplegia. Identifiers: MedGen C0037772, HP:0001258.

Allele frequency attached by ClinVar (database versions not stated): TOPMed below 0.00001; gnomAD exomes 0.00001.

Submission:

Labcorp Genetics (formerly Invitae), Labcorp
Classification: Uncertain significance for Spastic paraplegia. Last evaluated: 2022-08-21. Review status: criteria provided, single submitter. Criteria: Invitae Variant Classification Sherloc (09022015). Collection method: clinical testing. Allele origin: germline.
Comment: This sequence change replaces aspartic acid, which is acidic and polar, with glycine, which is neutral and non-polar, at codon 937 of the AP4E1 protein (p.Asp937Gly). This variant is present in population databases (no rsID available, gnomAD 0.006%). This variant has not been reported in the literature in individuals affected with AP4E1-related conditions. Algorithms developed to predict the effect of missense changes on protein structure and function are either unavailable or do not agree on the potential impact of this missense change (SIFT: "Deleterious"; PolyPhen-2: "Probably Damaging"; Align-GVGD: "Class C0"). Algorithms developed to predict the effect of sequence changes on RNA splicing suggest that this variant may create or strengthen a splice site. In summary, the available evidence is currently insufficient to determine the role of this variant in disease. Therefore, it has been classified as a Variant of Uncertain Significance.